The following is an entry in ClinVar:

ClinVar aggregate classification (germline): Likely pathogenic (1 of 4 stars; one submission).

Conditions:
Primary dilated cardiomyopathy (DCM). Also called: Dilated Cardiomyopathy. Identifiers: Orphanet 217604, MedGen C0007193, MeSH D002311, MONDO:0005021, HP:0001644. Inheritance: Various modes of inheritance.

Submission:

Cardiovascular Biomedical Research Unit, Royal Brompton & Harefield NHS Foundation Trust
Classification: Likely pathogenic for Primary dilated cardiomyopathy. Last evaluated: 2014-10-08. Review status: criteria provided, single submitter. Criteria: Roberts et al. 2015. Collection method: research. Allele origin: germline. Inheritance: Autosomal dominant inheritance. Affected: yes. Observed: 1 variant allele. Study: Endstage DCM.
Comment: In the seven cohorts assessed, TTNtv were found in 14% of ambulant DCM, 22% end-stage or familial DCM, and 2% controls. Heterozygous nonsense, frameshift and canonical splice-disrupting variants found in constitutive and other highly utilised exons are highly likely to be pathogenic when identified in individuals with phenotypically confirmed DCM. TTNtv found incidentally in healthy individuals (excluding familial assessment of DCM relatives) are thought to have low penetrance, particularly when identified in exons that are not constitutively expressed in the heart.

NM_001267550.2(TTN):c.90322_90323insT (p.Glu30108fs)

Genes: TTN (titin; minus strand), TTN-AS1 (TTN antisense RNA 1; plus strand). Cytogenetic location: 2q31.2.
Variant type: Insertion.
Coding change: c.90322_90323insT on transcript NM_001267550.2 (MANE Select); coding-DNA positions 90322 to 90323, T inserted.
Protein change: p.Glu30108fs; shifts the reading frame from glutamic acid 30108.
Molecular consequence: frameshift variant.
Genome position: GRCh38 VCF-style: chr2-178552577-T-TA. GRCh37 (hg19) VCF-style: chr2-179417304-T-TA.
Other names: c.85399_85400insT, p.Glu28467fs (NM_001256850.1); c.63127_63128insT, p.Glu21043fs (NM_003319.4); c.82618_82619insT, p.Glu27540fs (NM_133378.4); c.63502_63503insT, p.Glu21168fs (NM_133432.3); c.63703_63704insT, p.Glu21235fs (NM_133437.4); c.90322_90323insT (LRG_391t1); short protein forms E21235fs, E21168fs, E28467fs, E27540fs, E21043fs, E30108fs.
Identifiers: ClinVar variation 223325 (VCV000223325.1), dbSNP rs869312082, ClinGen allele CA353211.
Genomic context (GRCh38, chr2:178,552,577, plus strand): 5'-GTAATAATAAGTTCTTTCACTGTAATTGGCCCAATAGTGACAGGATCACTCAGTCCTTTC[T>TA]CATTTTTGGCAAACACTCTGAACTCCAGGACTGACTGCTCCTTAAGTTGGCTAACCTCAA-3'